The following is an entry in ClinVar:

NM_001854.4(COL11A1):c.3816+6T>G

Gene: COL11A1 (collagen type XI alpha 1 chain; minus strand). Cytogenetic location: 1p21.1.
Variant type: single nucleotide variant.
Coding change: c.3816+6T>G on transcript NM_001854.4 (MANE Select); 6 bases into the intron after coding-DNA position 3816, T replaced by G.
Molecular consequence: intron variant.
Genome position (GRCh38, 1-based): chr1:102,915,625, A>C on the plus strand (T>G on the coding strand, the complement: COL11A1 is on the minus strand). VCF-style: chr1-102915625-A-C. GRCh37 (hg19) VCF-style: chr1-103381181-A-C.
Other names: c.3699+6T>G (NM_001190709.2); c.3852+6T>G (NM_080629.3); c.3468+6T>G (NM_080630.4).
Identifiers: ClinVar variation 1526226 (VCV001526226.1), dbSNP rs2101038892, ClinGen allele CA2573130865.

ClinVar aggregate classification (germline): Uncertain significance (1 of 4 stars; one submission).

Conditions:
Stickler syndrome type 2 (STL2). Also called: STICKLER SYNDROME, BEADED VITREOUS TYPE; STICKLER SYNDROME, VITREOUS TYPE 2; STICKLER SYNDROME, TYPE II; COL11A1-Related Stickler Syndrome. Identifiers: Orphanet 828, Orphanet 90654, MedGen C1858084, MONDO:0011493, OMIM 604841.

Submission:

3billion
Classification: Uncertain significance for Stickler syndrome type 2. Last evaluated: 2022-03-22. Review status: criteria provided, single submitter. Criteria: ACMG Guidelines, 2015. Collection method: clinical testing. Allele origin: germline. Affected: yes. Observed: 1 heterozygote.
Comment: The variant is not observed in the gnomAD v2.1.1 dataset. Therefore, this variant is classified as uncertain significance according to the recommendation of ACMG/AMP guideline.